The following is an entry in ClinVar:

NM_001105206.3(LAMA4):c.1963G>A (p.Val655Met)

Gene: LAMA4 (laminin subunit alpha 4; minus strand). Cytogenetic location: 6q21.
Variant type: single nucleotide variant.
Coding change: c.1963G>A on transcript NM_001105206.3 (MANE Select); coding-DNA position 1963, G replaced by A.
Protein change: p.Val655Met; replaces valine 655 with methionine.
Molecular consequence: missense variant.
Genome position (GRCh38, 1-based): chr6:112,154,944, C>T on the plus strand (G>A on the coding strand, the complement: LAMA4 is on the minus strand). VCF-style: chr6-112154944-C-T. GRCh37 (hg19) VCF-style: chr6-112476146-C-T.
Other names: c.1942G>A, p.Val648Met (NM_001105207.3, NM_002290.5); short protein forms V648M, V655M.
Identifiers: ClinVar variation 3365580 (VCV003365580.1).
Genomic context (GRCh38, chr6:112,154,944, plus strand): 5'-GATTGAGGAGGTTCTCACTTTCATCTTTATGGTAAATGATTTGAGTATCAATCCCACTCA[C>T]CGCCTACAAAGGAATTGAGAGAAGAGGGTAAAAATGACAGCAGAAGAAATCAGCTATTCA-3'
Protein context (NP_001098676.2, residues 645-665): LNTTDRIYDA[Val655Met]SGIDTQIIYH

ClinVar aggregate classification (germline): Uncertain significance (1 of 4 stars; one submission).

gnomAD v4.1: 2 of 1,604,944 alleles (0.00012%); highest among the groups gnomAD compares: South Asian, 0.0011%; no homozygotes.

Submission:

GeneDx
Classification: Uncertain significance. Last evaluated: 2023-12-14. Review status: criteria provided, single submitter. Criteria: GeneDx Variant Classification Process June 2021. Collection method: clinical testing. Allele origin: germline. Affected: yes.
Comment: Not observed at significant frequency in large population cohorts (gnomAD); In silico analysis supports that this missense variant does not alter protein structure/function; Has not been previously published as pathogenic or benign to our knowledge